The following is an entry in ClinVar:

NM_144687.4(NLRP12):c.395A>G (p.Tyr132Cys)

Gene: NLRP12 (NLR family pyrin domain containing 12; minus strand). Cytogenetic location: 19q13.42.
Variant type: single nucleotide variant.
Coding change: c.395A>G on transcript NM_144687.4 (MANE Select); coding-DNA position 395, A replaced by G.
Protein change: p.Tyr132Cys; replaces tyrosine 132 with cysteine.
Molecular consequence: missense variant.
Genome position (GRCh38, 1-based): chr19:53,811,264, T>C on the plus strand (A>G on the coding strand, the complement: NLRP12 is on the minus strand). VCF-style: chr19-53811264-T-C. GRCh37 (hg19) VCF-style: chr19-54314518-T-C.
Other names: p.Tyr132Cys; c.395A>G (NM_144687.2); c.395A>G, p.Tyr132Cys (NM_001277126.2, NM_001277129.1); short protein forms Y132C.
Identifiers: ClinVar variation 851513 (VCV000851513.10), dbSNP rs781619673, ClinGen allele CA9639722.

ClinVar aggregate classification (germline): Conflicting classifications of pathogenicity. Review status: criteria provided, conflicting classifications (1 of 4 stars). 4 submissions from 4 submitters: Uncertain significance (3); Likely benign (1). Last evaluated 2025-12-23.

Conditions:
Inborn genetic diseases. Identifiers: MedGen C0950123, MeSH D030342.
Familial cold autoinflammatory syndrome 2 (FCAS2). Identifiers: Orphanet 247868, MedGen C2673198, MONDO:0012724, OMIM 611762.

Allele frequency attached by ClinVar (database versions not stated): ExAC 0.00001; gnomAD 0.00002; TOPMed 0.00005; gnomAD exomes 0.00006.

Submissions (4):

Labcorp Genetics (formerly Invitae), Labcorp
Classification: Uncertain significance for Familial cold autoinflammatory syndrome 2. Last evaluated: 2025-12-23. Review status: criteria provided, single submitter. Criteria: Invitae Variant Classification Sherloc (09022015). Collection method: clinical testing. Allele origin: germline.
Comment: This sequence change replaces tyrosine, which is neutral and polar, with cysteine, which is neutral and slightly polar, at codon 132 of the NLRP12 protein (p.Tyr132Cys). This variant is present in population databases (rs781619673, gnomAD 0.04%), and has an allele count higher than expected for a pathogenic variant. This variant has not been reported in the literature in individuals affected with NLRP12-related conditions. ClinVar contains an entry for this variant (Variation ID: 851513). Invitae Evidence Modeling of protein sequence and biophysical properties (such as structural, functional, and spatial information, amino acid conservation, physicochemical variation, residue mobility, and thermodynamic stability) indicates that this missense variant is not expected to disrupt NLRP12 protein function with a negative predictive value of 80%. In summary, the available evidence is currently insufficient to determine the role of this variant in disease. Therefore, it has been classified as a Variant of Uncertain Significance.

ARUP Laboratories, Molecular Genetics and Genomics, ARUP Laboratories
Classification: Likely benign for Familial cold autoinflammatory syndrome 2. Last evaluated: 2024-03-18. Review status: criteria provided, single submitter. Criteria: ARUP Molecular Germline Variant Investigation Process 2024. Collection method: clinical testing. Allele origin: germline.

Mayo Clinic Laboratories, Mayo Clinic
Classification: Uncertain significance. Last evaluated: 2024-02-28. Review status: criteria provided, single submitter. Criteria: ACMG Guidelines, 2015. Collection method: clinical testing. Allele origin: germline. Observed: 2 variant alleles.

Ambry Genetics
Classification: Uncertain significance for Inborn genetic diseases. Last evaluated: 2021-07-15. Review status: criteria provided, single submitter. Criteria: Ambry Variant Classification Scheme 2023. Collection method: clinical testing. Allele origin: germline.